The following is an entry in ClinVar:

ClinVar aggregate classification (germline): Uncertain significance (1 of 4 stars; one submission).

Conditions:
Leber congenital amaurosis 6 (LCA6). Identifiers: Orphanet 65, MedGen C1854260, MONDO:0013446, OMIM 613826.
Cone-rod dystrophy 13 (CORD13). Identifiers: Orphanet 1872, MedGen C2750720, MONDO:0011987, OMIM 608194.

Allele frequency attached by ClinVar (database versions not stated): gnomAD exomes below 0.00001.
gnomAD v4.1: 4 of 1,606,662 alleles (0.00025%); highest among the groups gnomAD compares: East Asian, 0.0022%; no homozygotes.

Submission:

Labcorp Genetics (formerly Invitae), Labcorp
Classification: Uncertain significance for Leber congenital amaurosis 6; Cone-rod dystrophy 13. Last evaluated: 2022-07-03. Review status: criteria provided, single submitter. Criteria: Invitae Variant Classification Sherloc (09022015). Collection method: clinical testing. Allele origin: germline.
Comment: In summary, the available evidence is currently insufficient to determine the role of this variant in disease. Therefore, it has been classified as a Variant of Uncertain Significance. Algorithms developed to predict the effect of missense changes on protein structure and function output the following: SIFT: "Tolerated"; PolyPhen-2: "Benign"; Align-GVGD: "Class C0". The threonine amino acid residue is found in multiple mammalian species, which suggests that this missense change does not adversely affect protein function. This variant has not been reported in the literature in individuals affected with RPGRIP1-related conditions. This variant is present in population databases (no rsID available, gnomAD 0.003%). This sequence change replaces isoleucine, which is neutral and non-polar, with threonine, which is neutral and polar, at codon 738 of the RPGRIP1 protein (p.Ile738Thr).

NM_020366.4(RPGRIP1):c.2213T>C (p.Ile738Thr)

Gene: RPGRIP1 (RPGR interacting protein 1; plus strand). Cytogenetic location: 14q11.2.
Variant type: single nucleotide variant.
Coding change: c.2213T>C on transcript NM_020366.4 (MANE Select); coding-DNA position 2213, T replaced by C.
Protein change: p.Ile738Thr; replaces isoleucine 738 with threonine.
Molecular consequence: missense variant. On other transcripts: intron variant (4).
Genome position (GRCh38, 1-based): chr14:21,325,068, T>C. VCF-style: chr14-21325068-T-C. GRCh37 (hg19) VCF-style: chr14-21793227-T-C.
Other names: c.1139T>C, p.Ile380Thr (NM_001377948.1); c.796+343T>C (NM_001377949.1); c.689-2555T>C (NM_001377523.1, NM_001377950.1); c.191-2555T>C (NM_001377951.1); short protein forms I380T, I738T.
Identifiers: ClinVar variation 1996626 (VCV001996626.3), dbSNP rs1448378996, ClinGen allele CA388868367.